The following is an entry in ClinVar:

ClinVar aggregate classification (germline): Likely benign (1 of 4 stars; one submission).

gnomAD v4.1: 1 of 1,544,616 alleles (0.000065%); highest among the groups gnomAD compares: East Asian, 0.0024%; no homozygotes.

Submission:

Mayo Clinic Laboratories, Mayo Clinic
Classification: Likely benign. Last evaluated: 2025-06-10. Review status: criteria provided, single submitter. Criteria: ACMG Guidelines, 2015. Collection method: clinical testing. Allele origin: germline. Observed: 1 variant allele.
Comment: BP4, BP7, PM2_supporting

NM_001142864.4(PIEZO1):c.5550C>T (p.Pro1850=)

Gene: PIEZO1 (piezo type mechanosensitive ion channel component 1 (Er blood group); minus strand). Cytogenetic location: 16q24.3.
Variant type: single nucleotide variant.
Coding change: c.5550C>T on transcript NM_001142864.4 (MANE Select); coding-DNA position 5550, C replaced by T.
Protein change: p.Pro1850=; no amino-acid change (proline 1850 retained).
Molecular consequence: synonymous variant.
Genome position (GRCh38, 1-based): chr16:88,721,284, G>A on the plus strand (C>T on the coding strand, the complement: PIEZO1 is on the minus strand). VCF-style: chr16-88721284-G-A. GRCh37 (hg19) VCF-style: chr16-88787692-G-A.
Other names: p.Pro1850=.
Identifiers: ClinVar variation 4684134 (VCV004684134.1).
Genomic context (GRCh38, chr16:88,721,284, plus strand): 5'-ACTGATGCGCCTCGTATCACGGGGCCTGAGCTCCACTTGGGGTTCTGGGGTCCCGTCCGT[G>A]GGTCCGACCCTGGCTTCCACCTGAATGTGGTCTTCGGTGGTGGCCGCAGGCACCCCTGGC-3'
Protein context (NP_001136336.2, residues 1840-1860): DHIQVEARVG[Pro1850=]TDGTPEPQVE